The following is an entry in ClinVar:

NM_001374736.1(DST):c.2577T>G (p.Ile859Met)

Gene: DST (dystonin; minus strand). Cytogenetic location: 6p12.1.
Variant type: single nucleotide variant.
Coding change: c.2577T>G on transcript NM_001374736.1 (MANE Select); coding-DNA position 2577, T replaced by G.
Protein change: p.Ile859Met; replaces isoleucine 859 with methionine.
Molecular consequence: missense variant.
Genome position (GRCh38, 1-based): chr6:56,639,971, A>C on the plus strand (T>G on the coding strand, the complement: DST is on the minus strand). VCF-style: chr6-56639971-A-C. GRCh37 (hg19) VCF-style: chr6-56504769-A-C.
Other names: c.2478T>G, p.Ile826Met (NM_001144769.5); c.2064T>G, p.Ile688Met (NM_001144770.2); c.2577T>G, p.Ile859Met (NM_001374722.1); c.1944T>G, p.Ile648Met (NM_001374729.1, NM_001374730.1, NM_001386100.1 and 1 more transcripts); c.2604T>G, p.Ile868Met (NM_001374734.1); c.966T>G, p.Ile322Met (NM_001723.7, NM_015548.5); short protein forms I859M, I322M, I868M, I648M, I688M, I826M.
Identifiers: ClinVar variation 939589 (VCV000939589.7), dbSNP rs2098874464, ClinGen allele CA364577999.

ClinVar aggregate classification (germline): Uncertain significance (1 of 4 stars; one submission).

Conditions:
Hereditary sensory and autonomic neuropathy type 6. Also called: HSAN VI; Neuropathy, hereditary sensory and autonomic, type VI. Identifiers: Orphanet 314381, MedGen C3539003, MONDO:0013839, OMIM 614653.
Epidermolysis bullosa simplex 3, localized or generalized intermediate, with BP230 deficiency (EBS3). Also called: Epidermolysis bullosa simplex due to BP230 deficiency; Epidermolysis bullosa simplex, autosomal recessive 2. Identifiers: Orphanet 412181, MedGen C3809470, MONDO:0014180, OMIM 615425.

Allele frequency attached by ClinVar (database versions not stated): gnomAD exomes below 0.00001.
gnomAD v4.1: 2 of 1,613,614 alleles (0.00012%); highest among the groups gnomAD compares: Non-Finnish European, 0.00017%; no homozygotes.

Submission:

Labcorp Genetics (formerly Invitae), Labcorp
Classification: Uncertain significance for Epidermolysis bullosa simplex 3, localized or generalized intermediate, with BP230 deficiency; Hereditary sensory and autonomic neuropathy type 6. Last evaluated: 2021-08-24. Review status: criteria provided, single submitter. Criteria: Invitae Variant Classification Sherloc (09022015). Collection method: clinical testing. Allele origin: germline.
Comment: This sequence change replaces isoleucine with methionine at codon 322 of the DST protein (p.Ile322Met). The isoleucine residue is highly conserved and there is a small physicochemical difference between isoleucine and methionine. This variant is not present in population databases (ExAC no frequency). This variant has not been reported in the literature in individuals affected with DST-related conditions. Algorithms developed to predict the effect of missense changes on protein structure and function are either unavailable or do not agree on the potential impact of this missense change (SIFT: "Deleterious"; PolyPhen-2: "Probably Damaging"; Align-GVGD: "Class C0"). In summary, the available evidence is currently insufficient to determine the role of this variant in disease. Therefore, it has been classified as a Variant of Uncertain Significance.